The following is an entry in ClinVar:

NM_001723.7(DST):c.5951A>G (p.Lys1984Arg)

Gene: DST (dystonin; minus strand). Cytogenetic location: 6p12.1.
Variant type: single nucleotide variant.
Coding change: c.5951A>G on transcript NM_001723.7 (MANE Plus Clinical); coding-DNA position 5951, A replaced by G.
Protein change: p.Lys1984Arg; replaces lysine 1984 with arginine.
Molecular consequence: missense variant. On other transcripts: intron variant (10).
Genome position (GRCh38, 1-based): chr6:56,618,083, T>C on the plus strand (A>G on the coding strand, the complement: DST is on the minus strand). VCF-style: chr6-56618083-T-C. GRCh37 (hg19) VCF-style: chr6-56482881-T-C.
Other names: c.4831-3599A>G (NM_001144769.5); c.4930-3599A>G (NM_001374722.1, NM_001374736.1); c.4957-3599A>G (NM_001374734.1); c.4417-3599A>G (NM_001144770.2); c.4297-3599A>G (NM_001374730.1, NM_001386100.1, NM_183380.4 and 1 more transcripts); c.3319-3599A>G (NM_015548.5); short protein forms K1984R.
Identifiers: ClinVar variation 1163462 (VCV001163462.12), dbSNP rs1461324464, ClinGen allele CA364566219.
Genomic context (GRCh38, chr6:56,618,083, plus strand): 5'-CATGCGTTATCTTGATACCTAACAGGTGGTCTAGAATTGTTCAGGGCTTGGTCTCTTATC[T>C]TCTCAATTTCAGACAGTCTTGTAATGGGGTTTGTCTCATCAAAAGTTATCTGTAACTCGG-3'
Protein context (NP_001714.1, residues 1974-1994): NPITRLSEIE[Lys1984Arg]IRDQALNNSR

ClinVar aggregate classification (germline): Uncertain significance. Review status: criteria provided, multiple submitters, no conflicts (2 of 4 stars). 2 submissions from 2 submitters: Uncertain significance (2). Last evaluated 2020-12-03.

Conditions:
Epidermolysis bullosa simplex 3, localized or generalized intermediate, with BP230 deficiency (EBS3). Also called: Epidermolysis bullosa simplex, autosomal recessive 2; Epidermolysis bullosa simplex due to BP230 deficiency. Identifiers: Orphanet 412181, MedGen C3809470, MONDO:0014180, OMIM 615425.
Hereditary sensory and autonomic neuropathy type 6. Also called: HSAN VI; Neuropathy, hereditary sensory and autonomic, type VI. Identifiers: Orphanet 314381, MedGen C3539003, MONDO:0013839, OMIM 614653.

Allele frequency attached by ClinVar (database versions not stated): gnomAD exomes below 0.00001.
gnomAD v4.1: 1 of 1,614,164 alleles (0.000062%); highest among the groups gnomAD compares: Non-Finnish European, 0.000085%; no homozygotes.

Submissions (2):

Labcorp Genetics (formerly Invitae), Labcorp
Classification: Uncertain significance for Epidermolysis bullosa simplex 3, localized or generalized intermediate, with BP230 deficiency; Hereditary sensory and autonomic neuropathy type 6. Last evaluated: 2020-12-03. Review status: criteria provided, single submitter. Criteria: Invitae Variant Classification Sherloc (09022015). Collection method: clinical testing. Allele origin: germline.
Comment: Algorithms developed to predict the effect of missense changes on protein structure and function (SIFT, PolyPhen-2, Align-GVGD) all suggest that this variant is likely to be tolerated, but these predictions have not been confirmed by published functional studies and their clinical significance is uncertain. This variant has not been reported in the literature in individuals with DST-related conditions. This variant is not present in population databases (ExAC no frequency). This sequence change replaces lysine with arginine at codon 1984 of the DST protein (p.Lys1984Arg). The lysine residue is highly conserved and there is a small physicochemical difference between lysine and arginine. In summary, the available evidence is currently insufficient to determine the role of this variant in disease. Therefore, it has been classified as a Variant of Uncertain Significance.

Mayo Clinic Laboratories, Mayo Clinic
Classification: Uncertain significance. Last evaluated: 2019-08-05. Review status: criteria provided, single submitter. Criteria: ACMG Guidelines, 2015. Collection method: clinical testing. Allele origin: germline. Observed: 1 variant allele.